The following is an entry in ClinVar:

NM_001384900.1(SEMA3D):c.2220G>A (p.Arg740=)

Genes: SEMA3D (semaphorin 3D; minus strand), LOC126860094 (BRD4-independent group 4 enhancer GRCh37_chr7:84628763-84629962; plus strand). Cytogenetic location: 7q21.11.
Variant type: single nucleotide variant.
Coding change: c.2220G>A on transcript NM_001384900.1 (MANE Select); coding-DNA position 2220, G replaced by A.
Protein change: p.Arg740=; no amino-acid change (arginine 740 retained).
Molecular consequence: synonymous variant.
Genome position (GRCh38, 1-based): chr7:84,999,554, C>T on the plus strand (G>A on the coding strand, the complement: SEMA3D is on the minus strand). VCF-style: chr7-84999554-C-T. GRCh37 (hg19) VCF-style: chr7-84628870-C-T.
Other names: c.2220G>A, p.Arg740= (NM_001384901.1, NM_001384902.1, NM_001384903.1 and 1 more transcripts).
Identifiers: ClinVar variation 4977677 (VCV004977677.1).

ClinVar aggregate classification (germline): Likely benign (1 of 4 stars; one submission).

Conditions:
SEMA3D-related disorder. Also called: SEMA3D-related condition.

gnomAD v4.1: 5 of 1,614,132 alleles (0.00031%); highest among the groups gnomAD compares: Middle Eastern, 0.016%; no homozygotes.

Submission:

PreventionGenetics, part of Exact Sciences
Classification: Likely benign for SEMA3D-related condition. Last evaluated: 2025-01-15. Review status: criteria provided, single submitter. Criteria: ACMG Guidelines, 2015. Collection method: clinical testing. Allele origin: germline.
Comment: This variant is classified as likely benign based on ACMG/AMP sequence variant interpretation guidelines (Richards et al. 2015 PMID: 25741868, with internal and published modifications).